The following is an entry in ClinVar:

NM_001378778.1(MPDZ):c.5813G>A (p.Gly1938Asp)

Gene: MPDZ (multiple PDZ domain crumbs cell polarity complex component; minus strand). Cytogenetic location: 9p23.
Variant type: single nucleotide variant.
Coding change: c.5813G>A on transcript NM_001378778.1 (MANE Select); coding-DNA position 5813, G replaced by A.
Protein change: p.Gly1938Asp; replaces glycine 1938 with aspartic acid.
Molecular consequence: missense variant.
Genome position (GRCh38, 1-based): chr9:13,110,652, C>T on the plus strand (G>A on the coding strand, the complement: MPDZ is on the minus strand). VCF-style: chr9-13110652-C-T. GRCh37 (hg19) VCF-style: chr9-13110651-C-T.
Other names: c.5726G>A (NM_003829.3); c.5714G>A, p.Gly1905Asp (NM_001261406.2, NM_001375416.1, NM_001375417.1 and 1 more transcripts); c.5627G>A, p.Gly1876Asp (NM_001261407.2, NM_001375419.1); c.5813G>A, p.Gly1938Asp (NM_001330637.2); c.5912G>A, p.Gly1971Asp (NM_001375413.1); c.5603G>A, p.Gly1868Asp (NM_001375420.1, NM_001375421.1, NM_001375422.1 and 2 more transcripts); c.5516G>A, p.Gly1839Asp (NM_001375425.1, NM_001375426.1); c.5405G>A, p.Gly1802Asp (NM_001375427.1); and 1 more; short protein forms G1905D, G1909D, G1839D, G1868D, G1876D, G1938D, G1802D, G1971D.
Identifiers: ClinVar variation 1346721 (VCV001346721.5), dbSNP rs1425232308, ClinGen allele CA372940526.
Genomic context (GRCh38, chr9:13,110,652, plus strand): 5'-CAGGCTACCTATATTCTGAATTATGCTTGGGATAAAAATCTTACCTGCATTTCAATGGAG[C>T]CAGATGCATTTTTCAGTAGGTTAACTGCTTGGGTGTGAGTCATGCCCTCAGTGGATGTGC-3'
Protein context (NP_001365707.1, residues 1928-1948): QAVNLLKNAS[Gly1938Asp]SIEMQVVAGG

ClinVar aggregate classification (germline): Uncertain significance. Review status: criteria provided, multiple submitters, no conflicts (2 of 4 stars). 2 submissions from 2 submitters: Uncertain significance (2). Last evaluated 2025-06-15.

Conditions:
Inborn genetic diseases. Identifiers: MedGen C0950123, MeSH D030342.

Allele frequency attached by ClinVar (database versions not stated): gnomAD exomes below 0.00001; gnomAD 0.00001; TOPMed 0.00001.
gnomAD v4.1: 17 of 1,613,268 alleles (0.0011%); highest among the groups gnomAD compares: African/African-American, 0.0013%; no homozygotes.

Submissions (2):

Labcorp Genetics (formerly Invitae), Labcorp
Classification: Uncertain significance. Last evaluated: 2025-06-15. Review status: criteria provided, single submitter. Criteria: Invitae Variant Classification Sherloc (09022015). Collection method: clinical testing. Allele origin: germline.
Comment: This sequence change replaces glycine, which is neutral and non-polar, with aspartic acid, which is acidic and polar, at codon 1909 of the MPDZ protein (p.Gly1909Asp). The frequency data for this variant in the population databases is considered unreliable, as metrics indicate poor data quality at this position in the gnomAD database. This variant has not been reported in the literature in individuals affected with MPDZ-related conditions. ClinVar contains an entry for this variant (Variation ID: 1346721). An algorithm developed to predict the effect of missense changes on protein structure and function (PolyPhen-2) suggests that this variant is likely to be disruptive. In summary, the available evidence is currently insufficient to determine the role of this variant in disease. Therefore, it has been classified as a Variant of Uncertain Significance.

Ambry Genetics
Classification: Uncertain significance for Inborn genetic diseases. Last evaluated: 2021-08-02. Review status: criteria provided, single submitter. Criteria: Ambry Variant Classification Scheme 2023. Collection method: clinical testing. Allele origin: germline.